The following is an entry in ClinVar:

ClinVar aggregate classification (germline): Uncertain significance (1 of 4 stars; one submission).

Conditions:
Familial hemophagocytic lymphohistiocytosis 2 (FHL2). Also called: PRF1-Related Familial Hemophagocytic Lymphohistiocytosis (PRF1-fHLH). Identifiers: Orphanet 540, MedGen C1863727, MONDO:0011337, OMIM 603553.

Allele frequency attached by ClinVar (database versions not stated): gnomAD exomes below 0.00001.

Submission:

Labcorp Genetics (formerly Invitae), Labcorp
Classification: Uncertain significance for Familial hemophagocytic lymphohistiocytosis 2. Last evaluated: 2021-05-29. Review status: criteria provided, single submitter. Criteria: Invitae Variant Classification Sherloc (09022015). Collection method: clinical testing. Allele origin: germline.
Comment: This variant has not been reported in the literature in individuals with PRF1-related conditions. In summary, the available evidence is currently insufficient to determine the role of this variant in disease. Therefore, it has been classified as a Variant of Uncertain Significance. Algorithms developed to predict the effect of missense changes on protein structure and function (SIFT, PolyPhen-2, Align-GVGD) all suggest that this variant is likely to be tolerated, but these predictions have not been confirmed by published functional studies and their clinical significance is uncertain. This variant is not present in population databases (ExAC no frequency). This sequence change replaces valine with alanine at codon 304 of the PRF1 protein (p.Val304Ala). The valine residue is weakly conserved and there is a small physicochemical difference between valine and alanine.

NM_001083116.3(PRF1):c.911T>C (p.Val304Ala)

Gene: PRF1 (perforin 1; minus strand). Cytogenetic location: 10q22.1.
Variant type: single nucleotide variant.
Coding change: c.911T>C on transcript NM_001083116.3 (MANE Select); coding-DNA position 911, T replaced by C.
Protein change: p.Val304Ala; replaces valine 304 with alanine.
Molecular consequence: missense variant.
Genome position (GRCh38, 1-based): chr10:70,598,810, A>G on the plus strand (T>C on the coding strand, the complement: PRF1 is on the minus strand). VCF-style: chr10-70598810-A-G. GRCh37 (hg19) VCF-style: chr10-72358566-A-G.
Other names: c.911T>C, p.Val304Ala (NM_005041.6); short protein forms V304A.
Identifiers: ClinVar variation 1419198 (VCV001419198.8), dbSNP rs1163295281, ClinGen allele CA376957912.
Genomic context (GRCh38, chr10:70,598,810, plus strand): 5'-TGCTCGGGCCCGGCCTGGATCCCGAACAGCAGGTCGTTAATGGAGGTGTGATGGCCGCCA[A>G]CCACTTCCGAGTGGCGCTCCCGGTAGGTTTGGTGGAAGGAGGCCGTCATCTTGTGCTTCT-3'
Protein context (NP_001076585.1, residues 294-314): QTYRERHSEV[Val304Ala]GGHHTSINDL